The following is an entry in ClinVar:

NM_030930.4(UNC93B1):c.1448T>C (p.Phe483Ser)

Gene: UNC93B1 (unc-93B1 regulator of TLR signaling; minus strand). Cytogenetic location: 11q13.2.
Variant type: single nucleotide variant.
Coding change: c.1448T>C on transcript NM_030930.4 (MANE Select); coding-DNA position 1448, T replaced by C.
Protein change: p.Phe483Ser; replaces phenylalanine 483 with serine.
Molecular consequence: missense variant.
Genome position (GRCh38, 1-based): chr11:67,993,710, A>G on the plus strand (T>C on the coding strand, the complement: UNC93B1 is on the minus strand). VCF-style: chr11-67993710-A-G. GRCh37 (hg19) VCF-style: chr11-67761181-A-G.
Other names: short protein forms F483S.
Identifiers: ClinVar variation 2183412 (VCV002183412.4), dbSNP rs2495475111, ClinGen allele CA381568797.

ClinVar aggregate classification (germline): Uncertain significance (1 of 4 stars; one submission).

Conditions:
Encephalopathy, acute, infection-induced (herpes-specific), susceptibility to, 1. Also called: Herpes simplex encephalitis, susceptibility to, 1. Identifiers: Orphanet 1930, MedGen C2750180, MONDO:0024563, OMIM 610551.

Allele frequency attached by ClinVar (database versions not stated): gnomAD exomes 0.00001.
gnomAD v4.1: 10 of 1,275,132 alleles (0.00078%); highest among the groups gnomAD compares: Non-Finnish European, 0.00099%; no homozygotes.

Submission:

Labcorp Genetics (formerly Invitae), Labcorp
Classification: Uncertain significance for Encephalopathy, acute, infection-induced (herpes-specific), susceptibility to, 1. Last evaluated: 2022-04-12. Review status: criteria provided, single submitter. Criteria: Invitae Variant Classification Sherloc (09022015). Collection method: clinical testing. Allele origin: germline.
Comment: In summary, the available evidence is currently insufficient to determine the role of this variant in disease. Therefore, it has been classified as a Variant of Uncertain Significance. Experimental studies and prediction algorithms are not available or were not evaluated, and the functional significance of this variant is currently unknown. This variant has not been reported in the literature in individuals affected with UNC93B1-related conditions. This variant is not present in population databases (gnomAD no frequency). This sequence change replaces phenylalanine, which is neutral and non-polar, with serine, which is neutral and polar, at codon 483 of the UNC93B1 protein (p.Phe483Ser).